The following is an entry in ClinVar:

NM_001130987.2(DYSF):c.1798C>T (p.Arg600Trp)

Gene: DYSF (dysferlin; plus strand). Cytogenetic location: 2p13.2.
Variant type: single nucleotide variant.
Coding change: c.1798C>T on transcript NM_001130987.2 (MANE Select); coding-DNA position 1798, C replaced by T.
Protein change: p.Arg600Trp; replaces arginine 600 with tryptophan.
Molecular consequence: missense variant.
Genome position (GRCh38, 1-based): chr2:71,551,712, C>T. VCF-style: chr2-71551712-C-T. GRCh37 (hg19) VCF-style: chr2-71778842-C-T.
Other names: c.1747C>T, p.Arg583Trp (NM_001130455.2, NM_001130983.2); c.1702C>T, p.Arg568Trp (NM_001130976.2, NM_001130977.2); c.1744C>T, p.Arg582Trp (NM_001130978.2, NM_003494.4); c.1837C>T, p.Arg613Trp (NM_001130979.2); c.1795C>T, p.Arg599Trp (NM_001130980.2, NM_001130981.2); c.1840C>T, p.Arg614Trp (NM_001130982.2); c.1705C>T, p.Arg569Trp (NM_001130984.2, NM_001130986.2); c.1798C>T, p.Arg600Trp (NM_001130985.2); short protein forms R582W, R600W, R599W, R569W, R614W, R613W, R568W, R583W.
Identifiers: ClinVar variation 498346 (VCV000498346.23), dbSNP rs149386446, ClinGen allele CA1705929.

ClinVar aggregate classification (germline): Conflicting classifications of pathogenicity. Review status: criteria provided, conflicting classifications (1 of 4 stars). 8 submissions from 8 submitters: Uncertain significance (6); Likely benign (1). 1 of the submissions does not count toward it. Last evaluated 2025-07-20.

Conditions:
Miyoshi muscular dystrophy 1 (MMD1). Identifiers: Orphanet 45448, MedGen C4551973, MONDO:0024545, OMIM 254130.
Autosomal recessive limb-girdle muscular dystrophy type 2B (LGMDR2). Also called: MUSCULAR DYSTROPHY, LIMB-GIRDLE, AUTOSOMAL RECESSIVE 2; Limb-Girdle Muscular Dystrophy Type 2B (LGMD2B); MUSCULAR DYSTROPHY, LIMB-GIRDLE, TYPE 3; Limb-girdle muscular dystrophy, type 2B. Identifiers: Orphanet 268, MedGen C1850889, MONDO:0009676, OMIM 253601.
Neuromuscular disease caused by qualitative or quantitative defects of dysferlin. Also called: Qualitative or quantitative defects of dysferlin; Dysferlinopathy. Identifiers: Orphanet 207073, MedGen C2931687, MONDO:0016145.

Allele frequency attached by ClinVar (database versions not stated): TOPMed 0.00008; gnomAD 0.00009; gnomAD exomes 0.00015; 1000 Genomes Project 30x 0.00016; 1000 Genomes Project 0.00020; ESP Exome Variant Server 0.00023.
gnomAD v4.1: 228 of 1,605,250 alleles (0.014%); highest among the groups gnomAD compares: Admixed American, 0.019%; no homozygotes.

Submissions (8):

Labcorp Genetics (formerly Invitae), Labcorp
Classification: Likely benign for Neuromuscular disease caused by qualitative or quantitative defects of dysferlin. Last evaluated: 2025-07-20. Review status: criteria provided, single submitter. Criteria: Invitae Variant Classification Sherloc (09022015). Collection method: clinical testing. Allele origin: germline.

Revvity Omics, Revvity
Classification: Uncertain significance. Last evaluated: 2025-01-22. Review status: criteria provided, single submitter. Criteria: ACMG Guidelines, 2015. Collection method: clinical testing. Allele origin: germline.

Blueprint Genetics
Classification: Uncertain significance. Last evaluated: 2024-08-30. Review status: criteria provided, single submitter. Criteria: ACMG Guidelines, 2015. Collection method: clinical testing. Allele origin: germline.

3billion
Classification: Uncertain significance for Miyoshi muscular dystrophy 1. Last evaluated: 2024-02-23. Review status: criteria provided, single submitter. Criteria: ACMG Guidelines, 2015. Collection method: clinical testing. Allele origin: germline. Affected: yes.
Comment: The variant is observed at an extremely low frequency in the gnomAD v2.1.1 dataset (total allele frequency: 0.015%). Predicted Consequence/Location: The majority of the known disease-causing variants of this gene are variants expected to result in premature termination of the protein. Damaging effect on gene or gene product predicted by in silico programs is uncertain [REVEL: 0.60 (damaging >=0.6, benign <0.4), 3Cnet: 0.16 (damaging >=0.6, benign <0.15)]. Different missense changes at the same codon (p.Arg600Leu) have been reported to be associated with DYSF related disorder (PMID: 27666772). However the evidence of pathogenicity is insufficient at this time. Therefore, this variant is classified as VUS according to the recommendation of ACMG/AMP guideline.

Genome-Nilou Lab
Classification: Uncertain significance for Miyoshi muscular dystrophy 1. Last evaluated: 2021-05-18. Review status: criteria provided, single submitter. Criteria: ACMG Guidelines, 2015. Collection method: clinical testing. Allele origin: germline. Affected: no.

Illumina Laboratory Services, Illumina
Classification: Uncertain significance for Qualitative or quantitative defects of dysferlin. Last evaluated: 2018-01-12. Review status: criteria provided, single submitter. Criteria: ICSL Variant Classification Criteria 13 December 2019. Collection method: clinical testing. Allele origin: germline.

Eurofins Ntd Llc (ga)
Classification: Uncertain significance. Last evaluated: 2016-11-22. Review status: criteria provided, single submitter. Criteria: EGL Classification Definitions 2015. Collection method: clinical testing. Allele origin: germline. Observed: 1 variant allele, 1 heterozygote.

Natera, Inc.
Classification: Uncertain significance for Limb-girdle muscular dystrophy type 2B. Last evaluated: 2020-09-16. Review status: no assertion criteria provided. Collection method: clinical testing. Allele origin: germline. Not counted in ClinVar's aggregate classification.

Literature cited by the submitters: PubMed 27666772 (cited by 3billion).